The following is an entry in ClinVar:

NM_000426.4(LAMA2):c.2076dup (p.Gly693fs)

Gene: LAMA2 (laminin subunit alpha 2; plus strand). Cytogenetic location: 6q22.33.
Variant type: Duplication.
Coding change: c.2076dup on transcript NM_000426.4 (MANE Select); coding-DNA position 2076, one base duplicated (T; older notation c.2076dupT).
Protein change: p.Gly693fs; shifts the reading frame from glycine 693.
Molecular consequence: frameshift variant.
Genome position (GRCh38, 1-based): chr6:129,252,275, T duplicated; the last of 3 consecutive T bases (chr6:129,252,273-129,252,275); duplicating any one gives the same sequence. VCF-style (leftmost placement, unchanged base first): chr6-129252272-C-CT. GRCh37 (hg19) VCF-style: chr6-129573417-C-CT.
Other names: c.2076dup, p.Gly693fs (NM_001079823.2); short protein forms G693fs.
Identifiers: ClinVar variation 5014762 (VCV005014762.1).
Genomic context (GRCh38, chr6:129,252,272, plus strand): 5'-AAAGGAATTTATGACAGTGCTTGCGAATTTGAAGAGAGTCCTCCTACAAATCACATACAG[C>CT]TTTGGGATGGATGCCATCTTCAGGTAAAATCAAGAACTGCAGCTCCAACGTTCACACATT-3'

ClinVar aggregate classification (germline): Pathogenic (1 of 4 stars; one submission).

Conditions:
LAMA2-related muscular dystrophy (LAMA2-RD). Also called: Laminin alpha 2-related dystrophy. Identifiers: MedGen C5679788, MONDO:0100228.

Submission:

Myriad Genetics, Inc.
Classification: Pathogenic for LAMA2-related muscular dystrophy. Last evaluated: 2025-07-22. Review status: criteria provided, single submitter. Criteria: Myriad Autosomal Dominant, Autosomal Recessive and X-Linked Classification Criteria (2023). Collection method: clinical testing. Allele origin: unknown.
Comment: NM_000426.3(LAMA2):c.2076dupT(G693Wfs*12) is expected to be pathogenic in the context of muscular dystrophy, LAMA2-related. This variant is predicted to lead to an abnormal or absent protein product due to the creation of a premature termination codon in LAMA2, a gene where loss-of-function variants are known to be pathogenic. Please note: this variant was assessed in the context of healthy population screening.